The following is an entry in ClinVar:

NM_000275.3(OCA2):c.2020C>G (p.Leu674Val)

Gene: OCA2 (OCA2 melanosomal transmembrane protein; minus strand). Cytogenetic location: 15q13.1.
Variant type: single nucleotide variant.
Coding change: c.2020C>G on transcript NM_000275.3 (MANE Select); coding-DNA position 2020, C replaced by G.
Protein change: p.Leu674Val; replaces leucine 674 with valine.
Molecular consequence: missense variant.
Genome position (GRCh38, 1-based): chr15:27,926,186, G>C on the plus strand (C>G on the coding strand, the complement: OCA2 is on the minus strand). VCF-style: chr15-27926186-G-C. GRCh37 (hg19) VCF-style: chr15-28171332-G-C.
Other names: c.1948C>G, p.Leu650Val (NM_001300984.2); short protein forms L674V, L650V.
Identifiers: ClinVar variation 194918 (VCV000194918.39), dbSNP rs371412500, ClinGen allele CA241133.
Genomic context (GRCh38, chr15:27,926,186, plus strand): 5'-CCTCCATCAGAACAAAGAGCGCTGCAAAAAACAGAAGGGTTGCCCATTCCACTCTGTGTA[G>C]AATTATCTCAAAATCATGAATATCAGCTAAAATTAGCAACCAGATGGCACCCAGAATAGC-3'
Protein context (NP_000266.2, residues 664-684): LADIHDFEII[Leu674Val]HRVEWATLLF

ClinVar aggregate classification (germline): Conflicting classifications of pathogenicity. Review status: criteria provided, conflicting classifications (1 of 4 stars). 16 submissions from 16 submitters: Pathogenic (5); Likely pathogenic (5); Uncertain significance (6). Last evaluated 2026-09-25.

Conditions:
Albinism or congenital nystagmus.
OCA2-related disorder. Also called: OCA2-related condition.
Motor delay, mild. Identifiers: MedGen C4314979.
Oculocutaneous albinism. Identifiers: Orphanet 55, MedGen C0078918, MONDO:0018910.
Respiratory tract infection. Identifiers: MedGen C0035243, HP:0011947.
Diarrhea. Identifiers: MedGen C0011991, HP:0002014.
Congenital nystagmus. Identifiers: MedGen C0700501, MONDO:0005712, HP:0006934.
Febrile seizure (within the age range of 3 months to 6 years). Also called: Febrile seizure; febrile convulsion; Febrile seizures. Identifiers: MedGen C0009952, HP:0002373.
Inborn genetic diseases. Identifiers: MedGen C0950123, MeSH D030342.
Tyrosinase-positive oculocutaneous albinism (OCA2). Also called: Albinism, oculocutaneous, type II; ALBINISM II; Oculocutaneous albinism type 2. Identifiers: Orphanet 79432, MedGen C0268495, MONDO:0008746, OMIM 203200.

Allele frequency attached by ClinVar (database versions not stated): TOPMed 0.00001; gnomAD exomes 0.00015 and 0.00032; ExAC 0.00031; 1000 Genomes Project 30x 0.00094; 1000 Genomes Project 0.00100.
gnomAD v4.1: 227 of 1,614,066 alleles (0.014%); highest among the groups gnomAD compares: South Asian, 0.23%; 1 homozygote.

Submissions 1 to 9 of 16:

North West Genomic Laboratory Hub, Manchester University NHS Foundation Trust
Classification: Likely pathogenic for Albinism or congenital nystagmus. Last evaluated: 2026-09-25. Review status: criteria provided, single submitter. Criteria: ACGS Best Practice Guidelines for Variant Classification in Rare Disease 2024. Collection method: clinical testing. Allele origin: germline. Affected: yes.
Comment: PM2_Mod PM3_Str PP3_Supp

Ambry Genetics
Classification: Pathogenic for Inborn genetic diseases. Last evaluated: 2026-05-19. Review status: criteria provided, single submitter. Criteria: Ambry Variant Classification Scheme 2023. Collection method: clinical testing. Allele origin: germline.
Comment: The c.2020C>G (p.L674V) alteration is located in exon 19 (coding exon 18) of the OCA2 gene. This alteration results from a C to G substitution at nucleotide position 2020, causing the leucine (L) at amino acid position 674 to be replaced by a valine (V). Based on data from gnomAD, the G allele has an overall frequency of 0.032% (81/251282) total alleles studied. The highest observed frequency was 0.258% (79/30616) of South Asian alleles. This variant has been identified in the homozygous state and/or in conjunction with other OCA2 variants in individuals with features consistent with OCA2-related oculocutaneous albinism; in at least one instance, the variants were identified in trans (Mondal, 2012; Simeonov, 2013; Norman, 2017; Ullah, 2022; Kohli, 2024; Ambry internal data). This amino acid position is highly conserved in available vertebrate species. This alteration is predicted to be deleterious by in silico analysis. Based on the available evidence, this alteration is classified as pathogenic.

Women's Health and Genetics/Laboratory Corporation of America, LabCorp
Classification: Pathogenic for Oculocutaneous albinism. Last evaluated: 2026-02-16. Review status: criteria provided, single submitter. Criteria: LabCorp Variant Classification Summary - May 2015. Collection method: clinical testing. Allele origin: germline.
Comment: Variant summary: OCA2 c.2020C>G (p.Leu674Val) results in a conservative amino acid change in the encoded protein sequence. Algorithms developed to predict the effect of missense changes on protein structure and function are either unavailable or do not agree on the potential impact of this missense change. The variant allele was found at a frequency of 0.00032 in 251282 control chromosomes, predominantly at a frequency of 0.0026 within the South Asian subpopulation in the gnomAD database, including 1 homozygote. This frequency is not significantly higher than estimated for disease-causing variants in OCA2, allowing no conclusion about variant significance. c.2020C>G has been observed in multiple individuals affected with Oculocutaneous Albinism (e.g. Mondal_2012, Kohli_2024). These data indicate that the variant is very likely to be associated with disease. To our knowledge, no experimental evidence demonstrating an impact on protein function has been reported. The following publications have been ascertained in the context of this evaluation (PMID: 38030918, 23010199). ClinVar contains an entry for this variant (Variation ID: 194918). Based on the evidence outlined above, the variant was classified as pathogenic.

Labcorp Genetics (formerly Invitae), Labcorp
Classification: Pathogenic. Last evaluated: 2026-01-20. Review status: criteria provided, single submitter. Criteria: Invitae Variant Classification Sherloc (09022015). Collection method: clinical testing. Allele origin: germline.
Comment: This sequence change replaces leucine, which is neutral and non-polar, with valine, which is neutral and non-polar, at codon 674 of the OCA2 protein (p.Leu674Val). This variant is present in population databases (rs371412500, gnomAD 0.3%). This missense change has been observed in individual(s) with clinical features of ocular albinism (PMID: 23010199, 28667292; internal data). In at least one individual the data is consistent with being in trans (on the opposite chromosome) from a pathogenic variant. This variant is also known as c.1948C>G. ClinVar contains an entry for this variant (Variation ID: 194918). Invitae Evidence Modeling of protein sequence and biophysical properties (such as structural, functional, and spatial information, amino acid conservation, physicochemical variation, residue mobility, and thermodynamic stability) indicates that this missense variant is not expected to disrupt OCA2 protein function with a negative predictive value of 80%. For these reasons, this variant has been classified as Pathogenic.

GeneDx
Classification: Uncertain significance. Last evaluated: 2025-12-04. Review status: criteria provided, single submitter. Criteria: GeneDx Variant Classification Process June 2021. Collection method: clinical testing. Allele origin: germline. Affected: yes.
Comment: Identified with an additional OCA2 variant in patients with features suggestive of hypomorphic albinism in the published literature, but it is not known whether the variants occurred on the same (in cis) or on different (in trans) chromosomes in all cases (also known as p.L650V using alternate nomenclature; PMID: 23010199, 28667292); In silico analysis suggests that this missense variant does not alter protein structure/function; This variant is associated with the following publications: (PMID: Arshad_2018_Article, 23970088, 37956964, 23010199, 38030918, 28667292, 40357958)

Victorian Clinical Genetics Services, Murdoch Childrens Research Institute
Classification: Pathogenic for Tyrosinase-positive oculocutaneous albinism. Last evaluated: 2025-08-08. Review status: criteria provided, single submitter. Criteria: ACMG Guidelines, 2015. Collection method: clinical testing. Allele origin: germline. Affected: yes.
Comment: This variant is classified as Pathogenic. Evidence in support of pathogenic classification: Variant is present in gnomAD <0.01 for a recessive condition (v4: 225 heterozygote(s), 1 homozygote(s)); This variant has strong previous evidence of pathogenicity in unrelated individuals. This variant has been classified as pathogenic, likely pathogenic and as a VUS by clinical laboratories in ClinVar. It has also been reported in the literature in homozygous and compound heterozygous individuals with OCA2-related features (PMIDs: 23010199, 38030918, 40357958; doi:10.1016/j.mgene.2018.03.007); Missense variant predicted to be damaging by in silico tool(s) or highly conserved with a major amino acid change. Additional information: Variant is predicted to result in a missense amino acid change from Leu to Val; This variant is heterozygous; This gene is associated with autosomal recessive disease; Alternative amino acid change(s) at the same position are present in gnomAD (highest allele count: v4: 2 heterozygote(s), 0 homozygote(s)); No published evidence of segregation with disease has been identified for this variant; No published functional evidence has been identified for this variant; Variant is located in the annotated citrate transporter domain (DECIPHER); Loss of function is a known mechanism of disease in this gene and is associated with brown oculocutaneous albinism (MIM#203200) and oculocutaneous albinism, type II (MIM#203200); Variants in this gene are known to have variable expressivity (PMID: 24518832; OMIM); Parental origin of the variant is unresolved.

PreventionGenetics, part of Exact Sciences
Classification: Likely pathogenic for OCA2-related condition. Last evaluated: 2025-06-26. Review status: criteria provided, single submitter. Criteria: ACMG Guidelines, 2015. Collection method: clinical testing. Allele origin: germline.
Comment: The OCA2 c.2020C>G variant is predicted to result in the amino acid substitution p.Leu674Val. This variant has been reported in the homozygous and compound heterozygous states in many individuals with oculocutaneous albinism (Mondal et al. 2012. PubMed ID: 23010199; Kohli et al. 2024. PubMed ID: 38030918). This variant is present in 0.26% of alleles in individuals of South Asian descent in gnomAD, including 1 homozygote, indicating it is relatively common in this population. Given the evidence, we interpret this variant as likely pathogenic.

Revvity Omics, Revvity
Classification: Likely pathogenic. Last evaluated: 2025-06-04. Review status: criteria provided, single submitter. Criteria: ACMG Guidelines, 2015. Collection method: clinical testing. Allele origin: germline.

Blueprint Genetics
Classification: Pathogenic for OCA2-related disorders. Last evaluated: 2024-10-24. Review status: criteria provided, single submitter. Criteria: ACMG Guidelines, 2015. Collection method: clinical testing. Allele origin: germline. Affected: yes. Observed: 5 variant alleles.